The following is an entry in ClinVar:

NM_000363.5(TNNI3):c.116C>G (p.Ser39Cys)

Gene: TNNI3 (troponin I3, cardiac type; minus strand). Cytogenetic location: 19q13.42.
Variant type: single nucleotide variant.
Coding change: c.116C>G on transcript NM_000363.5 (MANE Select); coding-DNA position 116, C replaced by G.
Protein change: p.Ser39Cys; replaces serine 39 with cysteine.
Molecular consequence: missense variant.
Genome position (GRCh38, 1-based): chr19:55,156,637, G>C on the plus strand (C>G on the coding strand, the complement: TNNI3 is on the minus strand). VCF-style: chr19-55156637-G-C. GRCh37 (hg19) VCF-style: chr19-55668005-G-C.
Other names: short protein forms S39C.
Identifiers: ClinVar variation 923734 (VCV000923734.11), dbSNP rs2085732731, ClinGen allele CA407442483.
Genomic context (GRCh38, chr19:55,156,637, plus strand): 5'-TCTTTCCCAGTCCCGCCCGTCCTCACCTTCAGCTGCAATTTTCTCGAGGCGGAGATCTTA[G>C]ATTTTTTCTGCCAGGGTGAGATGGAGCAAGGAAGGATCATGGAGGGGGATTCGGAGACGA-3'
Protein context (NP_000354.4, residues 29-49): YATEPHAKKK[Ser39Cys]KISASRKLQL

ClinVar aggregate classification (germline): Uncertain significance. Review status: criteria provided, multiple submitters, no conflicts (2 of 4 stars). 2 submissions from 2 submitters: Uncertain significance (2). Last evaluated 2025-07-01.

Conditions:
Cardiomyopathy (CMYO). Also called: Cardiomyopathies. Identifiers: Orphanet 167848, MedGen C0878544, MONDO:0004994, HP:0001638. Inheritance: Various modes of inheritance.
Hypertrophic cardiomyopathy. Also called: HYPERTROPHIC MYOCARDIOPATHY. Identifiers: Orphanet 217569, MedGen C0007194, MeSH D002312, MONDO:0005045, HP:0001639.

Allele frequency attached by ClinVar (database versions not stated): gnomAD exomes below 0.00001.

Submissions (2):

Color Diagnostics, LLC DBA Color Health
Classification: Uncertain significance for Cardiomyopathy. Last evaluated: 2025-07-01. Review status: criteria provided, single submitter. Criteria: ACMG Guidelines, 2015. Collection method: clinical testing. Allele origin: germline.
Comment: This missense variant replaces serine with cysteine at codon 39 of the TNNI3 protein. Computational prediction suggests that this variant may not impact protein structure and function. To our knowledge, functional studies have not been reported for this variant. This variant has not been reported in individuals affected with TNNI3-related disorders in the literature. This variant has not been identified in the general population by the Genome Aggregation Database (gnomAD). The available evidence is insufficient to determine the role of this variant in disease conclusively. Therefore, this variant is classified as a Variant of Uncertain Significance.

Labcorp Genetics (formerly Invitae), Labcorp
Classification: Uncertain significance for Hypertrophic cardiomyopathy. Last evaluated: 2020-11-15. Review status: criteria provided, single submitter. Criteria: Invitae Variant Classification Sherloc (09022015). Collection method: clinical testing. Allele origin: germline.
Comment: This sequence change replaces serine with cysteine at codon 39 of the TNNI3 protein (p.Ser39Cys). The serine residue is highly conserved and there is a moderate physicochemical difference between serine and cysteine. This variant is not present in population databases (ExAC no frequency). This variant has not been reported in the literature in individuals with TNNI3-related conditions. ClinVar contains an entry for this variant (Variation ID: 923734). Algorithms developed to predict the effect of missense changes on protein structure and function are either unavailable or do not agree on the potential impact of this missense change (SIFT: "Deleterious"; PolyPhen-2: "Benign"; Align-GVGD: "Class C0"). Algorithms developed to predict the effect of sequence changes on RNA splicing suggest that this variant may create or strengthen a splice site, but this prediction has not been confirmed by published transcriptional studies. In summary, the available evidence is currently insufficient to determine the role of this variant in disease. Therefore, it has been classified as a Variant of Uncertain Significance.